The following is an entry in ClinVar:

ClinVar aggregate classification (germline): Conflicting classifications of pathogenicity. Review status: criteria provided, conflicting classifications (1 of 4 stars). 4 submissions from 3 submitters: Uncertain significance (1); Benign (1); Likely benign (2). Last evaluated 2025-06-12.

Conditions:
Familial juvenile hyperuricemic nephropathy type 2 (ADTKD4). Also called: Autosomal Dominant Tubulointerstitial Kidney Disease – REN; EARLY-ONSET HYPERURICEMIA, ANEMIA, AND PROGRESSIVE KIDNEY FAILURE. Identifiers: Orphanet 217330, MedGen C2751310, MONDO:0013128, OMIM 613092.
Renal tubular dysgenesis. Also called: Renotubular dysgenesis. Identifiers: Orphanet 3033, MedGen C0266313, MONDO:0017609, HP:0008660.

Allele frequency attached by ClinVar (database versions not stated): 1000 Genomes Project 30x 0.00016; 1000 Genomes Project 0.00020; gnomAD exomes 0.00020 and 0.00044; ExAC 0.00026; gnomAD 0.00040 and 0.00043; TOPMed 0.00046; ESP Exome Variant Server 0.00054.
gnomAD v4.1: 684 of 1,614,072 alleles (0.042%); highest among the groups gnomAD compares: African/African-American, 0.088%; 1 homozygote.

Submissions (4):

Labcorp Genetics (formerly Invitae), Labcorp
Classification: Likely benign. Last evaluated: 2025-06-12. Review status: criteria provided, single submitter. Criteria: Invitae Variant Classification Sherloc (09022015). Collection method: clinical testing. Allele origin: germline.

Blueprint Genetics
Classification: Likely benign. Last evaluated: 2024-10-18. Review status: criteria provided, single submitter. Criteria: ACMG Guidelines, 2015. Collection method: clinical testing. Allele origin: germline.

Illumina Laboratory Services, Illumina
Classification: Uncertain significance for Renal tubular dysgenesis of genetic origin. Last evaluated: 2018-01-13. Review status: criteria provided, single submitter. Criteria: ICSL Variant Classification Criteria 13 December 2019. Collection method: clinical testing. Allele origin: germline.

Illumina Laboratory Services, Illumina
Classification: Benign for Familial juvenile hyperuricemic nephropathy type 2. Last evaluated: 2018-01-13. Review status: criteria provided, single submitter. Criteria: ICSL Variant Classification Criteria 13 December 2019. Collection method: clinical testing. Allele origin: germline.
Comment: This variant was observed in the ICSL laboratory as part of a predisposition screen in an ostensibly healthy population. It had not been previously curated by ICSL or reported in the Human Gene Mutation Database (HGMD: prior to June 1st, 2018), and was therefore a candidate for classification through an automated scoring system. Utilizing variant allele frequency, disease prevalence and penetrance estimates, and inheritance mode, an automated score was calculated to assess if this variant is too frequent to cause the disease. Based on the score and internal cut-off values, a variant classified as benign is not then subjected to further curation. The score for this variant resulted in a classification of benign for this disease.

NM_000537.4(REN):c.630C>T (p.Phe210=)

Gene: REN (renin; minus strand). Cytogenetic location: 1q32.1.
Variant type: single nucleotide variant.
Coding change: c.630C>T on transcript NM_000537.4 (MANE Select); coding-DNA position 630, C replaced by T.
Protein change: p.Phe210=; no amino-acid change (phenylalanine 210 retained).
Molecular consequence: synonymous variant.
Genome position (GRCh38, 1-based): chr1:204,159,458, G>A on the plus strand (C>T on the coding strand, the complement: REN is on the minus strand). VCF-style: chr1-204159458-G-A. GRCh37 (hg19) VCF-style: chr1-204128586-G-A.
Identifiers: ClinVar variation 294957 (VCV000294957.12), dbSNP rs141706094, ClinGen allele CA1344878.